The following is an entry in ClinVar:

NC_000003.12:g.(?_142458948)_(142462100_?)del

Gene: ATR (ATR serine/threonine kinase; minus strand). Cytogenetic location: 3q23.
Variant type: Deletion.
Identifiers: ClinVar variation 3246966 (VCV003246966.1).

ClinVar aggregate classification (germline): Likely pathogenic (1 of 4 stars; one submission).

Submission:

Labcorp Genetics (formerly Invitae), Labcorp
Classification: Likely pathogenic. Last evaluated: 2023-02-22. Review status: criteria provided, single submitter. Criteria: Invitae Variant Classification Sherloc (09022015). Collection method: clinical testing. Allele origin: unknown.
Comment: This variant is a gross deletion of the genomic region encompassing exon(s) 42-44 of the ATR gene. This variant would be expected to be in-frame, preserving the integrity of the reading frame. This variant has not been reported in the literature in individuals affected with ATR-related conditions. This variant disrupts the highly conserved phosphatidylinositol 3-kinase-related kinase (PIKK) catalytic domain of the ATR protein, which is essential for ATR-mediated DNA damage response signaling (PMID: 15279773, 28622525, 30559436). While functional studies have not been performed to directly test the effect of this variant on ATR protein function, this suggests that disruption of this region of the protein is causative of disease. In summary, the currently available evidence indicates that the variant is pathogenic, but additional data are needed to prove that conclusively. Therefore, this variant has been classified as Likely Pathogenic.

Literature cited by the submitters: PubMed 15279773; PubMed 28622525; PubMed 30559436.